The following is an entry in ClinVar:

NM_198578.4(LRRK2):c.3964C>T (p.Leu1322Phe)

Gene: LRRK2 (leucine rich repeat kinase 2; plus strand). Cytogenetic location: 12q12.
Variant type: single nucleotide variant.
Coding change: c.3964C>T on transcript NM_198578.4 (MANE Select); coding-DNA position 3964, C replaced by T.
Protein change: p.Leu1322Phe; replaces leucine 1322 with phenylalanine.
Molecular consequence: missense variant.
Genome position (GRCh38, 1-based): chr12:40,308,471, C>T. VCF-style: chr12-40308471-C-T. GRCh37 (hg19) VCF-style: chr12-40702273-C-T.
Other names: short protein forms L1322F.
Identifiers: ClinVar variation 1736545 (VCV001736545.2), dbSNP rs2499811559, ClinGen allele CA384417456.
Genomic context (GRCh38, chr12:40,308,471, plus strand): 5'-ATCTCAAGTATACTTTTAAGCAGTTTATTATTTTATTTTTATCTTTCAAATACTAGGTTT[C>T]TTCAACAGCGATTAAAAAAGGCTGTGCCTTATAACCGAATGAAACTTATGATTGTGGGAA-3'
Protein context (NP_940980.4, residues 1312-1332): GCKAKDIIRF[Leu1322Phe]QQRLKKAVPY

ClinVar aggregate classification (germline): Uncertain significance (1 of 4 stars; one submission).

Conditions:
Inborn genetic diseases. Identifiers: MedGen C0950123, MeSH D030342.

Allele frequency attached by ClinVar (database versions not stated): gnomAD exomes below 0.00001.
gnomAD v4.1: 1 of 1,612,698 alleles (0.000062%); highest among the groups gnomAD compares: South Asian, 0.0011%; no homozygotes.

Submission:

Ambry Genetics
Classification: Uncertain significance for Inborn genetic diseases. Last evaluated: 2022-07-28. Review status: criteria provided, single submitter. Criteria: Ambry Variant Classification Scheme 2023. Collection method: clinical testing. Allele origin: germline.
Comment: The p.L1322F variant (also known as c.3964C>T), located in coding exon 29 of the LRRK2 gene, results from a C to T substitution at nucleotide position 3964. The leucine at codon 1322 is replaced by phenylalanine, an amino acid with highly similar properties. This amino acid position is conserved. In addition, this alteration is predicted to be tolerated by in silico analysis. Since supporting evidence is limited at this time, the clinical significance of this alteration remains unclear.